The following is an entry in ClinVar:

NM_173598.6(KSR2):c.1393+7A>G

Gene: KSR2 (kinase suppressor of ras 2; minus strand). Cytogenetic location: 12q24.22.
Variant type: single nucleotide variant.
Coding change: c.1393+7A>G on transcript NM_173598.6 (MANE Select); 7 bases into the intron after coding-DNA position 1393, A replaced by G.
Molecular consequence: intron variant.
Genome position (GRCh38, 1-based): chr12:117,558,499, T>C on the plus strand (A>G on the coding strand, the complement: KSR2 is on the minus strand). VCF-style: chr12-117558499-T-C. GRCh37 (hg19) VCF-style: chr12-117996304-T-C.
Identifiers: ClinVar variation 4982394 (VCV004982394.1).
Genomic context (GRCh38, chr12:117,558,499, plus strand): 5'-TATGTGGGGGACCTGCAGGAGCCCCACCTCACCCCTGCCCCTAGGGCAGTAAGTGTTAAA[T>C]AGTTACCTCCTCGGTGGATGATCAGAAGATGACAGGGTGGGGCTTCTTTGGTGCATTTGT-3'

ClinVar aggregate classification (germline): Likely benign (1 of 4 stars; one submission).

Conditions:
KSR2-related disorder. Also called: KSR2-related condition.

gnomAD v4.1: 14 of 1,613,404 alleles (0.00087%); highest among the groups gnomAD compares: Non-Finnish European, 0.0012%; no homozygotes.

Submission:

PreventionGenetics, part of Exact Sciences
Classification: Likely benign for KSR2-related condition. Last evaluated: 2025-04-23. Review status: criteria provided, single submitter. Criteria: ACMG Guidelines, 2015. Collection method: clinical testing. Allele origin: germline.
Comment: This variant is classified as likely benign based on ACMG/AMP sequence variant interpretation guidelines (Richards et al. 2015 PMID: 25741868, with internal and published modifications).